The following is an entry in ClinVar:

NM_001378454.1(ALMS1):c.10241A>G (p.His3414Arg)

Gene: ALMS1 (ALMS1 centrosome and basal body associated protein; plus strand). Cytogenetic location: 2p13.1.
Variant type: single nucleotide variant.
Coding change: c.10241A>G on transcript NM_001378454.1 (MANE Select); coding-DNA position 10241, A replaced by G.
Protein change: p.His3414Arg; replaces histidine 3414 with arginine.
Molecular consequence: missense variant.
Genome position (GRCh38, 1-based): chr2:73,558,999, A>G. VCF-style: chr2-73558999-A-G. GRCh37 (hg19) VCF-style: chr2-73786126-A-G.
Other names: c.10244A>G, p.His3415Arg (NM_015120.4); short protein forms H3414R, H3415R.
Identifiers: ClinVar variation 852415 (VCV000852415.6), dbSNP rs1674601435, ClinGen allele CA347277756.

ClinVar aggregate classification (germline): Conflicting classifications of pathogenicity. Review status: criteria provided, conflicting classifications (1 of 4 stars). 2 submissions from 2 submitters: Uncertain significance (1); Likely benign (1). Last evaluated 2024-03-29.

Conditions:
Cardiovascular phenotype. Identifiers: MedGen CN230736.
Alstrom syndrome (ALMS). Identifiers: Orphanet 64, MedGen C0268425, MONDO:0008763, OMIM 203800.

Allele frequency attached by ClinVar (database versions not stated): gnomAD exomes below 0.00001.
gnomAD v4.1: 1 of 1,613,998 alleles (0.000062%); highest among the groups gnomAD compares: Non-Finnish European, 0.000085%; no homozygotes.

Submissions (2):

Ambry Genetics
Classification: Likely benign for Cardiovascular phenotype. Last evaluated: 2024-03-29. Review status: criteria provided, single submitter. Criteria: Ambry Variant Classification Scheme 2023. Collection method: clinical testing. Allele origin: germline.

Labcorp Genetics (formerly Invitae), Labcorp
Classification: Uncertain significance for Alstrom syndrome. Last evaluated: 2022-09-27. Review status: criteria provided, single submitter. Criteria: Invitae Variant Classification Sherloc (09022015). Collection method: clinical testing. Allele origin: germline.
Comment: This sequence change replaces histidine, which is basic and polar, with arginine, which is basic and polar, at codon 3415 of the ALMS1 protein (p.His3415Arg). This variant is not present in population databases (gnomAD no frequency). This variant has not been reported in the literature in individuals affected with ALMS1-related conditions. ClinVar contains an entry for this variant (Variation ID: 852415). In summary, the available evidence is currently insufficient to determine the role of this variant in disease. Therefore, it has been classified as a Variant of Uncertain Significance.